The following is an entry in ClinVar:

ClinVar aggregate classification (germline): Uncertain significance (1 of 4 stars; one submission).

Conditions:
Familial encephalopathy with neuroserpin inclusion bodies. Also called: ENCEPHALOPATHY, FAMILIAL, WITH COLLINS BODIES. Identifiers: Orphanet 85110, MedGen C1858680, MONDO:0011412, OMIM 604218.

Allele frequency attached by ClinVar (database versions not stated): ExAC 0.00001; gnomAD exomes 0.00002.
gnomAD v4.1: 23 of 1,596,510 alleles (0.0014%); highest among the groups gnomAD compares: Non-Finnish European, 0.0019%; no homozygotes.

Submission:

Labcorp Genetics (formerly Invitae), Labcorp
Classification: Uncertain significance for Familial encephalopathy with neuroserpin inclusion bodies. Last evaluated: 2023-08-07. Review status: criteria provided, single submitter. Criteria: Invitae Variant Classification Sherloc (09022015). Collection method: clinical testing. Allele origin: germline.
Comment: This variant has not been reported in the literature in individuals affected with SERPINI1-related conditions. In summary, the available evidence is currently insufficient to determine the role of this variant in disease. Therefore, it has been classified as a Variant of Uncertain Significance. Advanced modeling of protein sequence and biophysical properties (such as structural, functional, and spatial information, amino acid conservation, physicochemical variation, residue mobility, and thermodynamic stability) performed at Invitae indicates that this missense variant is not expected to disrupt SERPINI1 protein function. This variant is present in population databases (rs780530289, gnomAD 0.002%). This sequence change replaces glycine, which is neutral and non-polar, with valine, which is neutral and non-polar, at codon 324 of the SERPINI1 protein (p.Gly324Val).

NM_001122752.2(SERPINI1):c.971G>T (p.Gly324Val)

Gene: SERPINI1 (serpin family I member 1; plus strand). Cytogenetic location: 3q26.1.
Variant type: single nucleotide variant.
Coding change: c.971G>T on transcript NM_001122752.2 (MANE Select); coding-DNA position 971, G replaced by T.
Protein change: p.Gly324Val; replaces glycine 324 with valine.
Molecular consequence: missense variant.
Genome position (GRCh38, 1-based): chr3:167,807,333, G>T. VCF-style: chr3-167807333-G-T. GRCh37 (hg19) VCF-style: chr3-167525121-G-T.
Other names: c.971G>T, p.Gly324Val (NM_005025.5); short protein forms G324V.
Identifiers: ClinVar variation 2905903 (VCV002905903.3), dbSNP rs780530289, ClinGen allele CA2694928.